The following is an entry in ClinVar:

ClinVar aggregate classification (germline): Uncertain significance (1 of 4 stars; one submission).

gnomAD v4.1: 1 of 1,614,176 alleles (0.000062%); highest among the groups gnomAD compares: Non-Finnish European, 0.000085%; no homozygotes.

Submission:

Labcorp Genetics (formerly Invitae), Labcorp
Classification: Uncertain significance. Last evaluated: 2025-01-22. Review status: criteria provided, single submitter. Criteria: Invitae Variant Classification Sherloc (09022015). Collection method: clinical testing. Allele origin: germline.
Comment: This sequence change replaces proline, which is neutral and non-polar, with serine, which is neutral and polar, at codon 654 of the KMT2A protein (p.Pro654Ser). This variant is not present in population databases (gnomAD no frequency). This variant has not been reported in the literature in individuals affected with KMT2A-related conditions. Invitae Evidence Modeling of protein sequence and biophysical properties (such as structural, functional, and spatial information, amino acid conservation, physicochemical variation, residue mobility, and thermodynamic stability) indicates that this missense variant is expected to disrupt KMT2A protein function with a positive predictive value of 95%. In summary, the available evidence is currently insufficient to determine the role of this variant in disease. Therefore, it has been classified as a Variant of Uncertain Significance.

NM_001197104.2(KMT2A):c.1960C>T (p.Pro654Ser)

Gene: KMT2A (lysine methyltransferase 2A; plus strand). Cytogenetic location: 11q23.3.
Variant type: single nucleotide variant.
Coding change: c.1960C>T on transcript NM_001197104.2 (MANE Select); coding-DNA position 1960, C replaced by T.
Protein change: p.Pro654Ser; replaces proline 654 with serine.
Molecular consequence: missense variant.
Genome position (GRCh38, 1-based): chr11:118,473,119, C>T. VCF-style: chr11-118473119-C-T. GRCh37 (hg19) VCF-style: chr11-118343834-C-T.
Other names: c.2059C>T, p.Pro687Ser (NM_001412597.1); c.1960C>T, p.Pro654Ser (NM_005933.4); short protein forms P687S, P654S.
Identifiers: ClinVar variation 3679800 (VCV003679800.2).